The following is an entry in ClinVar:

NM_004859.4(CLTC):c.23G>A (p.Arg8His)

Gene: CLTC (clathrin heavy chain; plus strand). Cytogenetic location: 17q23.1.
Variant type: single nucleotide variant.
Coding change: c.23G>A on transcript NM_004859.4 (MANE Select); coding-DNA position 23, G replaced by A.
Protein change: p.Arg8His; replaces arginine 8 with histidine.
Molecular consequence: missense variant.
Genome position (GRCh38, 1-based): chr17:59,620,154, G>A. VCF-style: chr17-59620154-G-A. GRCh37 (hg19) VCF-style: chr17-57697515-G-A.
Other names: c.23G>A, p.Arg8His (NM_001288653.2); short protein forms R8H.
Identifiers: ClinVar variation 3899704 (VCV003899704.2).

ClinVar aggregate classification (germline): Uncertain significance (1 of 4 stars; one submission).

Submission:

GeneDx
Classification: Uncertain significance. Last evaluated: 2025-06-25. Review status: criteria provided, single submitter. Criteria: GeneDx Variant Classification Process June 2021. Collection method: clinical testing. Allele origin: germline.
Comment: Not observed at significant frequency in large population cohorts (gnomAD); In silico analysis indicates that this missense variant does not alter protein structure/function; Has not been previously published as pathogenic or benign to our knowledge